The following is an entry in ClinVar:

NM_000465.4(BARD1):c.352A>T (p.Asn118Tyr)

Gene: BARD1 (BRCA1 associated RING domain 1; minus strand). Cytogenetic location: 2q35.
Variant type: single nucleotide variant.
Coding change: c.352A>T on transcript NM_000465.4 (MANE Select); coding-DNA position 352, A replaced by T.
Protein change: p.Asn118Tyr; replaces asparagine 118 with tyrosine.
Molecular consequence: missense variant. On other transcripts: non-coding transcript variant (1), intron variant (2).
Genome position (GRCh38, 1-based): chr2:214,792,309, T>A on the plus strand (A>T on the coding strand, the complement: BARD1 is on the minus strand). VCF-style: chr2-214792309-T-A. GRCh37 (hg19) VCF-style: chr2-215657033-T-A.
Other names: c.295A>T, p.Asn99Tyr (NM_001282543.2); c.352A>T, p.Asn118Tyr (NM_001282549.2); c.158+17103A>T (NM_001282548.2); c.215+4752A>T (NM_001282545.2); short protein forms N118Y, N99Y.
Identifiers: ClinVar variation 3479726 (VCV003479726.1).

ClinVar aggregate classification (germline): Uncertain significance (1 of 4 stars; one submission).

Conditions:
Hereditary cancer-predisposing syndrome. Also called: Tumor predisposition; Neoplastic Syndromes, Hereditary; Hereditary neoplastic syndrome; Hereditary Cancer Syndrome. Identifiers: Orphanet 140162, MedGen C0027672, MeSH D009386, MONDO:0015356.

gnomAD v4.1: 1 of 1,613,480 alleles (0.000062%); highest among the groups gnomAD compares: Non-Finnish European, 0.000085%; no homozygotes.

Submission:

Ambry Genetics
Classification: Uncertain significance for Hereditary cancer-predisposing syndrome. Last evaluated: 2024-09-26. Review status: criteria provided, single submitter. Criteria: Ambry Variant Classification Scheme 2023. Collection method: clinical testing. Allele origin: germline.
Comment: The p.N118Y variant (also known as c.352A>T), located in coding exon 3 of the BARD1 gene, results from an A to T substitution at nucleotide position 352. The asparagine at codon 118 is replaced by tyrosine, an amino acid with dissimilar properties. This amino acid position is conserved. In addition, this alteration is predicted to be tolerated by in silico analysis. Based on the available evidence, the clinical significance of this variant remains unclear.